The following is an entry in ClinVar:

NM_000214.3(JAG1):c.1121-14_1121-10del

Gene: JAG1 (jagged canonical Notch ligand 1; minus strand). Cytogenetic location: 20p12.2.
Variant type: Deletion.
Coding change: c.1121-14_1121-10del on transcript NM_000214.3 (MANE Select); 14 bases into the intron before coding-DNA position 1121 through 10 bases into the intron before coding-DNA position 1121, 5 bases deleted (TTCTT; older notation c.1121-14_1121-10delTTCTT).
Molecular consequence: intron variant.
Genome position (GRCh38, 1-based): chr20:10,650,370-10,650,374, AAGAA deleted on the plus strand (TTCTT on the coding strand, the reverse complement: JAG1 is on the minus strand); deleting any 5 consecutive bases within chr20:10,650,370-10,650,377 gives the same sequence; the c. name uses the placement nearest the transcript's 3' end. VCF-style (leftmost placement, unchanged base first): chr20-10650369-CAAGAA-C. GRCh37 (hg19) VCF-style: chr20-10631017-CAAGAA-C.
Other names: c.1121-14_1121-10del5 (NM_000214.2).
Identifiers: ClinVar variation 1574528 (VCV001574528.10), dbSNP rs2122611723, ClinGen allele CA2573156858.

ClinVar aggregate classification (germline): Conflicting classifications of pathogenicity. Review status: criteria provided, conflicting classifications (1 of 4 stars). 2 submissions from 2 submitters: Uncertain significance (1); Likely benign (1). Last evaluated 2024-11-15.

Conditions:
JAG1-related disorder. Also called: JAG1-related condition; JAG1-related disorders.
Alagille syndrome due to a JAG1 point mutation. Also called: JAG1-Related Alagille Syndrome; Alagille Syndrome 1; HEPATIC DUCTULAR HYPOPLASIA, SYNDROMATIC. Identifiers: Orphanet 261619, Orphanet 52, MedGen C1956125, MONDO:0016862, OMIM 118450.

Submissions (2):

PreventionGenetics, part of Exact Sciences
Classification: Uncertain significance for JAG1-related condition. Last evaluated: 2024-11-15. Review status: criteria provided, single submitter. Criteria: ACMG Guidelines, 2015. Collection method: clinical testing. Allele origin: germline.
Comment: The JAG1 c.1121-14_1121-10del5 variant is predicted to result in an intronic deletion. This variant is predicted to interfere with splicing at the consensus acceptor site based on splicing prediction programs (SpliceAI, Jaganathan et al. 2019. PubMed ID: 30661751). To our knowledge, this variant has not been reported in the literature or in a large population database, indicating this variant is rare. At this time, the clinical significance of this variant is uncertain due to the absence of conclusive functional and genetic evidence.

Labcorp Genetics (formerly Invitae), Labcorp
Classification: Likely benign for Alagille syndrome due to a JAG1 point mutation. Last evaluated: 2021-05-07. Review status: criteria provided, single submitter. Criteria: Invitae Variant Classification Sherloc (09022015). Collection method: clinical testing. Allele origin: germline.